The following is an entry in ClinVar:

ClinVar aggregate classification (germline): Uncertain significance. Review status: criteria provided, multiple submitters, no conflicts (2 of 4 stars). 3 submissions from 3 submitters: Uncertain significance (3). Last evaluated 2023-08-10.

Conditions:
Inborn genetic diseases. Identifiers: MedGen C0950123, MeSH D030342.

Allele frequency attached by ClinVar (database versions not stated): TOPMed below 0.00001; gnomAD exomes 0.00001.

Submissions (3):

Labcorp Genetics (formerly Invitae), Labcorp
Classification: Uncertain significance. Last evaluated: 2023-08-10. Review status: criteria provided, single submitter. Criteria: Invitae Variant Classification Sherloc (09022015). Collection method: clinical testing. Allele origin: germline.
Comment: ClinVar contains an entry for this variant (Variation ID: 1809998). Advanced modeling of protein sequence and biophysical properties (such as structural, functional, and spatial information, amino acid conservation, physicochemical variation, residue mobility, and thermodynamic stability) performed at Invitae indicates that this missense variant is not expected to disrupt APC2 protein function. In summary, the available evidence is currently insufficient to determine the role of this variant in disease. Therefore, it has been classified as a Variant of Uncertain Significance. This variant has not been reported in the literature in individuals affected with APC2-related conditions. This variant is present in population databases (no rsID available, gnomAD 0.02%). This sequence change replaces glutamic acid, which is acidic and polar, with aspartic acid, which is acidic and polar, at codon 727 of the APC2 protein (p.Glu727Asp).

GeneDx
Classification: Uncertain significance. Last evaluated: 2022-06-27. Review status: criteria provided, single submitter. Criteria: GeneDx Variant Classification Process June 2021. Collection method: clinical testing. Allele origin: germline. Affected: yes.
Comment: In silico analysis supports that this missense variant does not alter protein structure/function; Has not been previously published as pathogenic or benign to our knowledge

Ambry Genetics
Classification: Uncertain significance for Inborn genetic diseases. Last evaluated: 2021-03-26. Review status: criteria provided, single submitter. Criteria: Ambry Variant Classification Scheme 2023. Collection method: clinical testing. Allele origin: germline.
Comment: The c.2181G>C (p.E727D) alteration is located in exon 15 (coding exon 14) of the APC2 gene. This alteration results from a G to C substitution at nucleotide position 2181, causing the glutamic acid (E) at amino acid position 727 to be replaced by an aspartic acid (D). The p.E727D alteration is predicted to be tolerated by in silico analysis. Based on insufficient or conflicting evidence, the clinical significance of this alteration remains unclear.

NM_005883.3(APC2):c.2181G>C (p.Glu727Asp)

Gene: APC2 (APC regulator of Wnt signaling pathway 2; plus strand). Cytogenetic location: 19p13.3.
Variant type: single nucleotide variant.
Coding change: c.2181G>C on transcript NM_005883.3 (MANE Select); coding-DNA position 2181, G replaced by C.
Protein change: p.Glu727Asp; replaces glutamic acid 727 with aspartic acid.
Molecular consequence: missense variant.
Genome position (GRCh38, 1-based): chr19:1,465,482, G>C. VCF-style: chr19-1465482-G-C. GRCh37 (hg19) VCF-style: chr19-1465481-G-C.
Other names: c.2178G>C, p.Glu726Asp (NM_001351273.1); short protein forms E726D, E727D.
Identifiers: ClinVar variation 1809998 (VCV001809998.7), dbSNP rs1000577284, ClinGen allele CA403025228.